The following is an entry in ClinVar:

ClinVar aggregate classification (germline): Conflicting classifications of pathogenicity. Review status: criteria provided, conflicting classifications (1 of 4 stars). 5 submissions from 5 submitters: Uncertain significance (4); Likely benign (1). Last evaluated 2025-09-26.

Conditions:
Hereditary breast ovarian cancer syndrome. Also called: Hereditary breast and ovarian cancer syndrome (HBOC); BRCA1- and BRCA2-Associated Hereditary Breast and Ovarian Cancer; Hereditary breast and ovarian cancer syndrome; Breast and ovarian cancer; Hereditary breast and/or ovarian cancer syndrome; Hereditary breast and ovarian cancer. Identifiers: Orphanet 145, MedGen C0677776, MeSH D061325, MONDO:0003582. Disease mechanism: loss of function.
Hereditary cancer-predisposing syndrome. Also called: Neoplastic Syndromes, Hereditary; Hereditary Cancer Syndrome; Hereditary neoplastic syndrome; Tumor predisposition. Identifiers: Orphanet 140162, MedGen C0027672, MeSH D009386, MONDO:0015356.
Breast-ovarian cancer, familial, susceptibility to, 2 (BROVCA2). Also called: BRCA2 Hereditary Breast and Ovarian Cancer. Identifiers: Orphanet 145, MedGen C2675520, MONDO:0012933, OMIM 612555. Disease mechanism: loss of function.

Submissions (5):

Ambry Genetics
Classification: Uncertain significance for Hereditary cancer-predisposing syndrome. Last evaluated: 2025-09-26. Review status: criteria provided, single submitter. Criteria: Ambry Variant Classification Scheme 2023. Collection method: clinical testing. Allele origin: germline.
Comment: The p.V1854A variant (also known as c.5561T>C), located in coding exon 10 of the BRCA2 gene, results from a T to C substitution at nucleotide position 5561. The valine at codon 1854 is replaced by alanine, an amino acid with similar properties. This amino acid position is poorly conserved in available vertebrate species. In addition, the in silico prediction for this alteration is inconclusive. Since supporting evidence is limited at this time, the clinical significance of this alteration remains unclear.

GeneDx
Classification: Uncertain significance. Last evaluated: 2025-06-23. Review status: criteria provided, single submitter. Criteria: GeneDx Variant Classification Process June 2021. Collection method: clinical testing. Allele origin: germline. Affected: yes.
Comment: Not observed at significant frequency in large population cohorts (gnomAD); In silico analysis supports that this missense variant has a deleterious effect on protein structure/function; Has not been previously published as pathogenic or benign to our knowledge; Also known as 5789T>C; This variant is associated with the following publications: (PMID: 22193408, 9002670)

Labcorp Genetics (formerly Invitae), Labcorp
Classification: Uncertain significance for Hereditary breast ovarian cancer syndrome. Last evaluated: 2023-11-15. Review status: criteria provided, single submitter. Criteria: Invitae Variant Classification Sherloc (09022015). Collection method: clinical testing. Allele origin: germline.
Comment: This sequence change replaces valine, which is neutral and non-polar, with alanine, which is neutral and non-polar, at codon 1854 of the BRCA2 protein (p.Val1854Ala). This variant is not present in population databases (gnomAD no frequency). This variant has not been reported in the literature in individuals affected with BRCA2-related conditions. ClinVar contains an entry for this variant (Variation ID: 825829). Advanced modeling of protein sequence and biophysical properties (such as structural, functional, and spatial information, amino acid conservation, physicochemical variation, residue mobility, and thermodynamic stability) performed at Invitae indicates that this missense variant is not expected to disrupt BRCA2 protein function with a negative predictive value of 95%. In summary, the available evidence is currently insufficient to determine the role of this variant in disease. Therefore, it has been classified as a Variant of Uncertain Significance.

All of Us Research Program, National Institutes of Health
Classification: Uncertain significance for Breast-ovarian cancer, familial, susceptibility to, 2. Last evaluated: 2023-04-27. Review status: criteria provided, single submitter. Criteria: ACMG Guidelines, 2015. Collection method: clinical testing. Allele origin: germline. Inheritance: Autosomal dominant inheritance. Observed: 1 variant allele, 1 heterozygote.
Comment: This study involves interpretation of variants in research participants for the purpose of population health screening. Participant phenotype was not available at the time of variant classification. Additional details can be found in publication PMID: 35346344, PMCID: PMC8962531

University of Washington Department of Laboratory Medicine, University of Washington
Classification: Likely benign for Hereditary cancer-predisposing syndrome. Last evaluated: 2023-03-23. Review status: criteria provided, single submitter. Criteria: Dines et al. (Genet Med. 2020). Collection method: curation. Allele origin: germline.
Comment: Missense variant in a coldspot region where missense variants are very unlikely to be pathogenic (PMID:31911673).

BRCA2 exon 11 coldspot. Reclassification based on statistical prior probability.

NM_000059.4(BRCA2):c.5561T>C (p.Val1854Ala)

Gene: BRCA2 (BRCA2 DNA repair associated; plus strand). Cytogenetic location: 13q13.1.
Variant type: single nucleotide variant.
Coding change: c.5561T>C on transcript NM_000059.4 (MANE Select); coding-DNA position 5561, T replaced by C.
Protein change: p.Val1854Ala; replaces valine 1854 with alanine.
Molecular consequence: missense variant.
Genome position (GRCh38, 1-based): chr13:32,339,916, T>C. VCF-style: chr13-32339916-T-C. GRCh37 (hg19) VCF-style: chr13-32914053-T-C.
Other names: short protein forms V1854A.
Identifiers: ClinVar variation 825829 (VCV000825829.14), dbSNP rs1371364232, ClinGen allele CA387785977.